The following is an entry in ClinVar:

NM_003060.4(SLC22A5):c.1451-250A>C

Gene: SLC22A5 (solute carrier family 22 member 5; plus strand). Cytogenetic location: 5q31.1.
Variant type: single nucleotide variant.
Coding change: c.1451-250A>C on transcript NM_003060.4 (MANE Select); 250 bases into the intron before coding-DNA position 1451, A replaced by C.
Molecular consequence: intron variant.
Genome position (GRCh38, 1-based): chr5:132,393,426, A>C. VCF-style: chr5-132393426-A-C. GRCh37 (hg19) VCF-style: chr5-131729118-A-C.
Other names: c.1523-250A>C (NM_001308122.2).
Identifiers: ClinVar variation 670107 (VCV000670107.1), dbSNP rs274549, ClinGen allele CA11981318.
Genomic context (GRCh38, chr5:132,393,426, plus strand): 5'-TAAATAAGAATAATCAGCATGGCCCAGAAATAGGAATAATCAGCATGGCCCAGCTCTTCT[A>C]CTGCAACCGCCCCTTTGTACTCCTCCCCTGCATGGTGGAACACTGCTGGGCTCTGGGCAT-3'

ClinVar aggregate classification (germline): Benign (1 of 4 stars; one submission).

Allele frequency attached by ClinVar (database versions not stated): 1000 Genomes Project 30x 0.73954; TOPMed 0.74215; gnomAD 0.74695 and 0.75395; 1000 Genomes Project 0.74740.
gnomAD v4.1: 114,821 of 152,076 alleles (76%); highest among the groups gnomAD compares: East Asian, 91%; 45,027 homozygotes.

Submission:

GeneDx
Classification: Benign. Last evaluated: 2018-06-19. Review status: criteria provided, single submitter. Criteria: GeneDx Variant Classification (06012015). Collection method: clinical testing. Allele origin: germline. Affected: yes.
Comment: This variant is considered likely benign or benign based on one or more of the following criteria: it is a conservative change, it occurs at a poorly conserved position in the protein, it is predicted to be benign by multiple in silico algorithms, and/or has population frequency not consistent with disease.